The following is an entry in ClinVar:

NM_152383.5(DIS3L2):c.994G>C (p.Glu332Gln)

Gene: DIS3L2 (DIS3 like 3'-5' exoribonuclease 2; plus strand). Cytogenetic location: 2q37.1.
Variant type: single nucleotide variant.
Coding change: c.994G>C on transcript NM_152383.5 (MANE Select); coding-DNA position 994, G replaced by C.
Protein change: p.Glu332Gln; replaces glutamic acid 332 with glutamine.
Molecular consequence: missense variant. On other transcripts: non-coding transcript variant (2).
Genome position (GRCh38, 1-based): chr2:232,163,502, G>C. VCF-style: chr2-232163502-G-C. GRCh37 (hg19) VCF-style: chr2-233028212-G-C.
Other names: c.994G>C, p.Glu332Gln (NM_001257281.2); short protein forms E332Q.
Identifiers: ClinVar variation 665884 (VCV000665884.6), dbSNP rs916060836, ClinGen allele CA67514543.

ClinVar aggregate classification (germline): Uncertain significance (1 of 4 stars; one submission).

Conditions:
Perlman syndrome (PRLMNS). Identifiers: Orphanet 2849, MedGen C0796113, MONDO:0009965, OMIM 267000.

Allele frequency attached by ClinVar (database versions not stated): gnomAD exomes below 0.00001; TOPMed 0.00002.
gnomAD v4.1: 2 of 1,614,130 alleles (0.00012%); highest among the groups gnomAD compares: Non-Finnish European, 0.00017%; no homozygotes.

Submission:

Labcorp Genetics (formerly Invitae), Labcorp
Classification: Uncertain significance for Perlman syndrome. Last evaluated: 2024-01-04. Review status: criteria provided, single submitter. Criteria: Invitae Variant Classification Sherloc (09022015). Collection method: clinical testing. Allele origin: germline.
Comment: This sequence change replaces glutamic acid, which is acidic and polar, with glutamine, which is neutral and polar, at codon 332 of the DIS3L2 protein (p.Glu332Gln). This variant is not present in population databases (gnomAD no frequency). This variant has not been reported in the literature in individuals affected with DIS3L2-related conditions. ClinVar contains an entry for this variant (Variation ID: 665884). Advanced modeling of protein sequence and biophysical properties (such as structural, functional, and spatial information, amino acid conservation, physicochemical variation, residue mobility, and thermodynamic stability) performed at Invitae indicates that this missense variant is not expected to disrupt DIS3L2 protein function with a negative predictive value of 80%. In summary, the available evidence is currently insufficient to determine the role of this variant in disease. Therefore, it has been classified as a Variant of Uncertain Significance.